The following is an entry in ClinVar:

ClinVar aggregate classification (germline): Uncertain significance (1 of 4 stars; one submission).

Conditions:
FGFR2-related craniosynostosis. Identifiers: MedGen CN231480.

gnomAD v4.1: 15 of 1,614,178 alleles (0.00093%); highest among the groups gnomAD compares: Middle Eastern, 0.016%; no homozygotes.

Submission:

Labcorp Genetics (formerly Invitae), Labcorp
Classification: Uncertain significance for FGFR2-related craniosynostosis. Last evaluated: 2026-01-13. Review status: criteria provided, single submitter. Criteria: Invitae Variant Classification Sherloc (09022015). Collection method: clinical testing. Allele origin: germline.
Comment: This sequence change replaces asparagine, which is neutral and polar, with lysine, which is basic and polar, at codon 184 of the FGFR2 protein (p.Asn184Lys). This variant is present in population databases (rs750312209, gnomAD 0.002%). This variant has not been reported in the literature in individuals affected with FGFR2-related conditions. Invitae Evidence Modeling of protein sequence and biophysical properties (such as structural, functional, and spatial information, amino acid conservation, physicochemical variation, residue mobility, and thermodynamic stability) indicates that this missense variant is not expected to disrupt FGFR2 protein function with a negative predictive value of 80%. In summary, the available evidence is currently insufficient to determine the role of this variant in disease. Therefore, it has been classified as a Variant of Uncertain Significance.

NM_000141.5(FGFR2):c.552C>G (p.Asn184Lys)

Gene: FGFR2 (fibroblast growth factor receptor 2; minus strand). Cytogenetic location: 10q26.13.
Variant type: single nucleotide variant.
Coding change: c.552C>G on transcript NM_000141.5 (MANE Select); coding-DNA position 552, C replaced by G.
Protein change: p.Asn184Lys; replaces asparagine 184 with lysine.
Molecular consequence: missense variant. On other transcripts: non-coding transcript variant (1).
Genome position (GRCh38, 1-based): chr10:121,551,362, G>C on the plus strand (C>G on the coding strand, the complement: FGFR2 is on the minus strand). VCF-style: chr10-121551362-G-C. GRCh37 (hg19) VCF-style: chr10-123310876-G-C.
Other names: c.552C>G, p.Asn184Lys (NM_001144913.1, NM_001144914.1, NM_001144917.2 and 3 more transcripts); c.285C>G, p.Asn95Lys (NM_001144915.2, NM_001144919.2, NM_001441088.1 and 2 more transcripts); c.207C>G, p.Asn69Lys (NM_001144916.2, NM_001144918.2, NM_001441090.1 and 1 more transcripts); short protein forms N184K, N69K, N95K.
Identifiers: ClinVar variation 4749468 (VCV004749468.1).
Genomic context (GRCh38, chr10:121,551,362, plus strand): 5'-AATGCGATGCTCCTGCTTAAACTCCTTCCCGTTTTTCAGCCACCGCATGGTTGGCATTGG[G>C]TTCCCCCCGGCTGGGCAGCGAAACTTGACAGTGTTGGCCGCAGGCACAGCATGGAGCCGC-3'
Protein context (NP_000132.3, residues 174-194): TVKFRCPAGG[Asn184Lys]PMPTMRWLKN